The following is an entry in ClinVar:

NM_001382430.1(AKT1):c.175+5G>A

Gene: AKT1 (AKT serine/threonine kinase 1; minus strand). Cytogenetic location: 14q32.33.
Variant type: single nucleotide variant.
Coding change: c.175+5G>A on transcript NM_001382430.1 (MANE Select); 5 bases into the intron after coding-DNA position 175, G replaced by A.
Molecular consequence: intron variant.
Genome position (GRCh38, 1-based): chr14:104,780,083, C>T on the plus strand (G>A on the coding strand, the complement: AKT1 is on the minus strand). VCF-style: chr14-104780083-C-T. GRCh37 (hg19) VCF-style: chr14-105246420-C-T.
Other names: c.175+5G>A (NM_001014431.2, NM_001014432.2, NM_001382433.1 and 3 more transcripts).
Identifiers: ClinVar variation 649972 (VCV000649972.6), dbSNP rs754417090, ClinGen allele CA267352382.

ClinVar aggregate classification (germline): Uncertain significance (1 of 4 stars; one submission).

Conditions:
Cowden syndrome 6 (CWS6). Identifiers: Orphanet 201, MedGen C3554519, MONDO:0014048, OMIM 615109.

Allele frequency attached by ClinVar (database versions not stated): gnomAD exomes below 0.00001 and 0.00002; TOPMed 0.00002.
gnomAD v4.1: 28 of 1,613,238 alleles (0.0017%); highest among the groups gnomAD compares: Non-Finnish European, 0.0023%; no homozygotes.

Submission:

Labcorp Genetics (formerly Invitae), Labcorp
Classification: Uncertain significance for Cowden syndrome 6. Last evaluated: 2022-04-28. Review status: criteria provided, single submitter. Criteria: Invitae Variant Classification Sherloc (09022015). Collection method: clinical testing. Allele origin: germline.
Comment: In summary, the available evidence is currently insufficient to determine the role of this variant in disease. Therefore, it has been classified as a Variant of Uncertain Significance. Variants that disrupt the consensus splice site are a relatively common cause of aberrant splicing (PMID: 17576681, 9536098). Algorithms developed to predict the effect of sequence changes on RNA splicing suggest that this variant may disrupt the consensus splice site. ClinVar contains an entry for this variant (Variation ID: 649972). This variant has not been reported in the literature in individuals affected with AKT1-related conditions. This variant is present in population databases (rs754417090, gnomAD 0.0009%). This sequence change falls in intron 3 of the AKT1 gene. It does not directly change the encoded amino acid sequence of the AKT1 protein. It affects a nucleotide within the consensus splice site.

Literature cited by the submitters: PubMed 17576681; PubMed 9536098.